The following is an entry in ClinVar:

NM_007294.4(BRCA1):c.664A>T (p.Lys222Ter)

Gene: BRCA1 (BRCA1 DNA repair associated; minus strand). Cytogenetic location: 17q21.31.
Variant type: single nucleotide variant.
Coding change: c.664A>T on transcript NM_007294.4 (MANE Select); coding-DNA position 664, A replaced by T.
Protein change: p.Lys222Ter; replaces lysine 222 with a stop codon.
Molecular consequence: nonsense. On other transcripts: intron variant (115).
Genome position (GRCh38, 1-based): chr17:43,095,852, T>A on the plus strand (A>T on the coding strand, the complement: BRCA1 is on the minus strand). VCF-style: chr17-43095852-T-A. GRCh37 (hg19) VCF-style: chr17-41247869-T-A.
Other names: c.451A>T, p.Lys151Ter (NM_001407571.1, NM_001407853.1, NM_001407894.1 and 12 more transcripts); c.664A>T, p.Lys222Ter (NM_001407581.1, NM_001407582.1, NM_001407583.1 and 59 more transcripts); c.661A>T, p.Lys221Ter (NM_001407587.1, NM_001407590.1, NM_001407591.1 and 41 more transcripts); c.655A>T, p.Lys219Ter (NM_001408408.1, NM_001407646.1, NM_001407647.1); c.586A>T, p.Lys196Ter (NM_001408409.1, NM_001408411.1, NM_001408412.1 and 9 more transcripts); c.523A>T, p.Lys175Ter (NM_001408410.1, NM_001408453.1, NM_001408454.1 and 43 more transcripts); c.583A>T, p.Lys195Ter (NM_001408413.1, NM_001408416.1, NM_001407659.1 and 3 more transcripts); c.454A>T, p.Lys152Ter (NM_001408478.1, NM_001408479.1, NM_001408480.1 and 27 more transcripts); and 17 more; short protein forms K151*, K152*, K174*, K175*, K177*, K195*, K196*, K219*.
Identifiers: ClinVar variation 3072100 (VCV003072100.3), dbSNP rs2552233164, ClinGen allele CA10600772.

ClinVar aggregate classification (germline): Conflicting classifications of pathogenicity. Review status: criteria provided, conflicting classifications (1 of 4 stars). 4 submissions from 4 submitters: Likely pathogenic (1); Uncertain significance (3). Last evaluated 2026-03-16.

Conditions:
Hereditary breast ovarian cancer syndrome. Also called: BRCA1- and BRCA2-Associated Hereditary Breast and Ovarian Cancer; Hereditary breast and ovarian cancer syndrome; Hereditary breast and ovarian cancer; Hereditary breast and ovarian cancer syndrome (HBOC); Breast and ovarian cancer; Hereditary breast and/or ovarian cancer syndrome. Identifiers: Orphanet 145, MedGen C0677776, MeSH D061325, MONDO:0003582. Disease mechanism: loss of function.
Inherited breast cancer and ovarian cancer.
Breast-ovarian cancer, familial, susceptibility to, 1 (BROVCA1). Also called: BRCA1 Hereditary Breast and Ovarian Cancer; OVARIAN CANCER, SUSCEPTIBILITY TO. Identifiers: Orphanet 145, MedGen C2676676, MONDO:0011450, OMIM 604370. Disease mechanism: loss of function.

gnomAD v4.1: 2 of 1,613,350 alleles (0.00012%); highest among the groups gnomAD compares: Non-Finnish European, 0.00017%; no homozygotes.

Submissions (4):

Cambridge Genomics Laboratory, East Genomic Laboratory Hub, NHS Genomic Medicine Service
Classification: Uncertain significance for Inherited breast cancer and ovarian cancer. Last evaluated: 2026-03-16. Review status: criteria provided, single submitter. Criteria: ACGS Best Practice Guidelines for Variant Classification in Rare Disease 2020. Collection method: clinical testing. Allele origin: germline. Affected: yes.

Labcorp Genetics (formerly Invitae), Labcorp
Classification: Uncertain significance for Hereditary breast ovarian cancer syndrome. Last evaluated: 2025-04-09. Review status: criteria provided, single submitter. Criteria: Invitae Variant Classification Sherloc (09022015). Collection method: clinical testing. Allele origin: germline.
Comment: This sequence change creates a premature translational stop signal (p.Lys222*) in the BRCA1 gene. Loss-of-function variants in BRCA1 are expected to be pathogenic (PMID: 20104584). However, an in-frame BRCA1 isoform lacking exons 8 and 9 (also known as exons 9 and 10) is highly expressed in blood from unaffected individuals and in normal breast tissue; this isoform may retain protein function and could functionally rescue loss-of-function variants within exons 8-9 (PMID: 24569164). This variant is not present in population databases (gnomAD no frequency). This variant has not been reported in the literature in individuals affected with BRCA1-related conditions. ClinVar contains an entry for this variant (Variation ID: 3072100). Algorithms developed to predict the effect of sequence changes on RNA splicing suggest that this variant may disrupt the consensus splice site. In summary, the available evidence is currently insufficient to determine the role of this variant in disease. Therefore, it has been classified as a Variant of Uncertain Significance.

All of Us Research Program, National Institutes of Health
Classification: Uncertain significance for Breast-ovarian cancer, familial, susceptibility to, 1. Last evaluated: 2023-12-18. Review status: criteria provided, single submitter. Criteria: ACMG Guidelines, 2015. Collection method: clinical testing. Allele origin: germline. Inheritance: Autosomal dominant inheritance. Observed: 2 variant alleles, 2 heterozygotes.
Comment: This variant changes 1 nucleotide in exon 9 of the BRCA1 gene, creating a premature translation stop signal. This variant is expected to result in the absence of full-length protein product. This variant has not been identified in the general population by the Genome Aggregation Database (gnomAD). Truncation variants in the vicinity of exons 8 and 9 have been reported in three individuals affected with high-risk breast cancer and/or ovarian cancer (PMID: 12203997, 12815604, 15642173, 33649982) and in a suspected hereditary breast and ovarian cancer family (PMID: 8764110). In one study, an exon 9 frameshift variant (c.594_597del) has been observed in compound heterozygosity with a known pathogenic missense variant, in an individual diagnosed with Fanconi anemia (PMID: 25472942). This presentation suggests that the exon 9 variant contributed to the development of disease. However, two splicing variants c.591C>T and c.594-2A>C that have been demonstrated to cause a premature translation stop signal and have been reported in individuals affected with breast and ovarian cancer, as well as in healthy unaffected individuals (PMID: 16211554, 19892845, 25639900, 27008870). The case-control, health history, tumor pathology and segregation data for the c.594-2A>C variant either indicate that this variant is not pathogenic or that pathogenicity is inconclusive (PMID: 25639900, 27008870). In these carriers, there is a relative increase in the skipping of exons 8 and 9 by pre-mRNA splicing that is expected to cause a small in-frame deletion of 41 amino acids from the reference protein (1884 amino acids) (PMID: 19892845, 27008870). An interpretation of these findings is that a BRCA1 mRNA isoform lacking exons 8 and 9 is normally produced and is functional. This alternate mRNA isoform is expected to be refractory to frameshift, nonsense and splicing defective variants found in exons 8 and 9 (PMID: 27008870). RNA studies have confirmed the appearance of the skipping of exons 8 and 9 in the majority of individuals tested, however, the degree of expression also appears to be highly variable in individuals (PMID: 24569164, 27008870, 28905878, 32133419). Taken together, the available evidence suggests that the expected deleterious effects of this c.664A>T (p.Lys222*) and other truncation variants occurring in exons 8 and 9 could be ameliorated by the expression of the mRNA isoform lacking exons 8 and 9 that retains normal BRCA1 function. Because of the uncertain clinical consequences of this variant, it is classified as a Variant of Uncertain Significance.

This study involves interpretation of variants in research participants for the purpose of population health screening. Participant phenotype was not available at the time of variant classification. Additional details can be found in publication PMID: 35346344, PMCID: PMC8962531

Laboratory for Molecular Medicine, Mass General Brigham Personalized Medicine
Classification: Likely pathogenic for Hereditary breast ovarian cancer syndrome. Last evaluated: 2019-10-14. Review status: criteria provided, single submitter. Criteria: ACMG Guidelines, 2015. Collection method: clinical testing. Allele origin: germline.
Comment: The p.Lys222X variant in BRCA1 has not been previously reported in individuals with hereditary breast and/or ovarian cancer (HBOC) and was absent from large population studies. This nonsense variant leads to a premature termination codon at position 222, which is predicted to lead to a truncated or absent protein. Loss of function of the BRCA1 gene is an established disease mechanism in autosomal dominant HBOC. In summary, although additional studies are required to fully establish its clinical significance, this variant meets criteria to be classified as likely pathogenic for autosomal dominant HBOC. ACMG/AMP Criteria applied: PVS1, PM2.

Literature cited by the submitters: PubMed 20104584 (cited by Labcorp Genetics (formerly Invitae), Labcorp); PubMed 24569164 (cited by Labcorp Genetics (formerly Invitae), Labcorp and All of Us Research Program, National Institutes of Health); PubMed 8764110 (cited by All of Us Research Program, National Institutes of Health); PubMed 12203997 (cited by All of Us Research Program, National Institutes of Health); PubMed 12815604 (cited by All of Us Research Program, National Institutes of Health); PubMed 15642173 (cited by All of Us Research Program, National Institutes of Health); PubMed 16211554 (cited by All of Us Research Program, National Institutes of Health); PubMed 19892845 (cited by All of Us Research Program, National Institutes of Health); PubMed 25472942 (cited by All of Us Research Program, National Institutes of Health); PubMed 25639900 (cited by All of Us Research Program, National Institutes of Health); PubMed 27008870 (cited by All of Us Research Program, National Institutes of Health); PubMed 28905878 (cited by All of Us Research Program, National Institutes of Health); PubMed 32133419 (cited by All of Us Research Program, National Institutes of Health); PubMed 33649982 (cited by All of Us Research Program, National Institutes of Health).